The following is an entry in ClinVar:

ClinVar aggregate classification (germline): Uncertain significance. Review status: criteria provided, single submitter (1 of 4 stars). 2 submissions from 2 submitters: Uncertain significance (1). 1 of the submissions does not count toward it. Last evaluated 2026-02-20.

Conditions:
CACNA1A-related disorder. Also called: CACNA1A-related condition.
Inborn genetic diseases. Identifiers: MedGen C0950123, MeSH D030342.

Submissions (2):

Ambry Genetics
Classification: Uncertain significance for Inborn genetic diseases. Last evaluated: 2026-02-20. Review status: criteria provided, single submitter. Criteria: Ambry Variant Classification Scheme 2023. Collection method: clinical testing. Allele origin: germline.
Comment: The c.632-3C>G intronic variant consists of a C to G substitution 3 nucleotides before exon 5 (coding exon 5) of the CACNA1A gene. for CACNA1A-related neurologic disorder; however, it is unlikely to be causative of CACNA1A-related spinocerebellar ataxia. This variant was not reported in population-based cohorts in the Genome Aggregation Database (gnomAD). This nucleotide position is highly conserved in available vertebrate species. In silico splice site analysis predicts that this alteration will weaken the native splice acceptor site. Based on insufficient or conflicting evidence, the clinical significance of this alteration remains unclear.

PreventionGenetics, part of Exact Sciences
Classification: Uncertain significance for CACNA1A-related condition. Last evaluated: 2024-08-26. Review status: no assertion criteria provided. Collection method: clinical testing. Allele origin: germline. Not counted in ClinVar's aggregate classification.
Comment: The CACNA1A c.632-3C>G variant is predicted to interfere with splicing. This variant is predicted to alter splicing based on available splicing prediction software (SpliceAI, Jaganathan et al. 2019. PubMed ID: 30661751). However, the use of computer prediction softwares is not equivalent to functional evidence. To our knowledge, this variant has not been reported in the literature or in a large population database, indicating this variant is rare. At this time, the clinical significance of this variant is uncertain due to the absence of conclusive functional and genetic evidence.

NM_001127222.2(CACNA1A):c.632-3C>G

Gene: CACNA1A (calcium voltage-gated channel subunit alpha1 A; minus strand). Cytogenetic location: 19p13.13.
Variant type: single nucleotide variant.
Coding change: c.632-3C>G on transcript NM_001127222.2 (MANE Select); 3 bases into the intron before coding-DNA position 632, C replaced by G.
Molecular consequence: intron variant.
Genome position (GRCh38, 1-based): chr19:13,365,472, G>C on the plus strand (C>G on the coding strand, the complement: CACNA1A is on the minus strand). VCF-style: chr19-13365472-G-C. GRCh37 (hg19) VCF-style: chr19-13476286-G-C.
Other names: c.632-3C>G (NM_001127221.2, NM_001174080.2, NM_000068.4 and 2 more transcripts).
Identifiers: ClinVar variation 3345876 (VCV003345876.2).